The following is an entry in ClinVar:

ClinVar aggregate classification (germline): Uncertain significance (1 of 4 stars; one submission).

Submission:

Labcorp Genetics (formerly Invitae), Labcorp
Classification: Uncertain significance. Last evaluated: 2022-07-25. Review status: criteria provided, single submitter. Criteria: Invitae Variant Classification Sherloc (09022015). Collection method: clinical testing. Allele origin: germline.
Comment: In summary, the available evidence is currently insufficient to determine the role of this variant in disease. Therefore, it has been classified as a Variant of Uncertain Significance. Algorithms developed to predict the effect of missense changes on protein structure and function (SIFT, PolyPhen-2, Align-GVGD) all suggest that this variant is likely to be tolerated. This variant has not been reported in the literature in individuals affected with TRIP12-related conditions. This variant is not present in population databases (gnomAD no frequency). This sequence change replaces proline, which is neutral and non-polar, with serine, which is neutral and polar, at codon 828 of the TRIP12 protein (p.Pro828Ser).

NM_001348323.3(TRIP12):c.2707C>T (p.Pro903Ser)

Gene: TRIP12 (thyroid hormone receptor interactor 12; minus strand). Cytogenetic location: 2q36.3.
Variant type: single nucleotide variant.
Coding change: c.2707C>T on transcript NM_001348323.3 (MANE Select); coding-DNA position 2707, C replaced by T.
Protein change: p.Pro903Ser; replaces proline 903 with serine.
Molecular consequence: missense variant.
Genome position (GRCh38, 1-based): chr2:229,804,171, G>A on the plus strand (C>T on the coding strand, the complement: TRIP12 is on the minus strand). VCF-style: chr2-229804171-G-A. GRCh37 (hg19) VCF-style: chr2-230668887-G-A.
Other names: c.1672C>T, p.Pro558Ser (NM_001284216.2); c.2707C>T, p.Pro903Ser (NM_001348326.2, NM_001348327.2, NM_001348320.2 and 4 more transcripts); c.2710C>T, p.Pro904Ser (NM_001348328.1, NM_001348329.2, NM_001348330.2 and 1 more transcripts); c.2626C>T, p.Pro876Ser (NM_001348315.2, NM_001284214.2); c.2581C>T, p.Pro861Ser (NM_001348316.2, NM_001348317.1, NM_001348318.2 and 1 more transcripts); c.2500C>T, p.Pro834Ser (NM_001348331.1); c.2620C>T, p.Pro874Ser (NM_001348332.1); c.2629C>T, p.Pro877Ser (NM_001348333.1); and 1 more; short protein forms P834S, P903S, P904S, P558S, P828S, P861S, P874S, P876S.
Identifiers: ClinVar variation 2171910 (VCV002171910.4), dbSNP rs2471980773, ClinGen allele CA350912789.